The following is an entry in ClinVar:

ClinVar aggregate classification (germline): Uncertain significance (1 of 4 stars; one submission).

Allele frequency attached by ClinVar (database versions not stated): gnomAD exomes below 0.00001; TOPMed below 0.00001.

Submission:

Ambry Genetics
Classification: Uncertain significance. Last evaluated: 2023-04-16. Review status: criteria provided, single submitter. Criteria: Ambry Variant Classification Scheme 2023. Collection method: clinical testing. Allele origin: germline.
Comment: The p.I2093T variant (also known as c.6278T>C), located in coding exon 11 of the ALPK2 gene, results from a T to C substitution at nucleotide position 6278. The isoleucine at codon 2093 is replaced by threonine, an amino acid with similar properties. This amino acid position is conserved. In addition, the in silico prediction for this alteration is inconclusive. Since supporting evidence is limited at this time, the clinical significance of this alteration remains unclear.

NM_052947.4(ALPK2):c.6278T>C (p.Ile2093Thr)

Gene: ALPK2 (alpha kinase 2; minus strand). Cytogenetic location: 18q21.31.
Variant type: single nucleotide variant.
Coding change: c.6278T>C on transcript NM_052947.4 (MANE Select); coding-DNA position 6278, T replaced by C.
Protein change: p.Ile2093Thr; replaces isoleucine 2093 with threonine.
Molecular consequence: missense variant.
Genome position (GRCh38, 1-based): chr18:58,498,067, A>G on the plus strand (T>C on the coding strand, the complement: ALPK2 is on the minus strand). VCF-style: chr18-58498067-A-G. GRCh37 (hg19) VCF-style: chr18-56165299-A-G.
Other names: short protein forms I2093T.
Identifiers: ClinVar variation 2561797 (VCV002561797.2), dbSNP rs2051410216, ClinGen allele CA402541903.